The following is an entry in ClinVar:

NM_005530.3(IDH3A):c.934G>A (p.Val312Met)

Gene: IDH3A (isocitrate dehydrogenase (NAD(+)) 3 catalytic subunit alpha; plus strand). Cytogenetic location: 15q25.1.
Variant type: single nucleotide variant.
Coding change: c.934G>A on transcript NM_005530.3 (MANE Select); coding-DNA position 934, G replaced by A.
Protein change: p.Val312Met; replaces valine 312 with methionine.
Molecular consequence: missense variant.
Genome position (GRCh38, 1-based): chr15:78,166,219, G>A. VCF-style: chr15-78166219-G-A. GRCh37 (hg19) VCF-style: chr15-78458561-G-A.
Other names: c.934G>A (NM_005530.2); short protein forms V312M.
Identifiers: ClinVar variation 1374598 (VCV001374598.9), dbSNP rs369949545, ClinGen allele CA7680721.

ClinVar aggregate classification (germline): Uncertain significance. Review status: criteria provided, multiple submitters, no conflicts (2 of 4 stars). 2 submissions from 2 submitters: Uncertain significance (2). Last evaluated 2025-02-06.

Allele frequency attached by ClinVar (database versions not stated): gnomAD 0.00001; ESP Exome Variant Server 0.00008.
gnomAD v4.1: 3 of 1,614,040 alleles (0.00019%); highest among the groups gnomAD compares: East Asian, 0.0022%; no homozygotes.

Submissions (2):

Ambry Genetics
Classification: Uncertain significance. Last evaluated: 2025-02-06. Review status: criteria provided, single submitter. Criteria: Ambry Variant Classification Scheme 2023. Collection method: clinical testing. Allele origin: germline.

Labcorp Genetics (formerly Invitae), Labcorp
Classification: Uncertain significance. Last evaluated: 2022-07-31. Review status: criteria provided, single submitter. Criteria: Invitae Variant Classification Sherloc (09022015). Collection method: clinical testing. Allele origin: germline.
Comment: In summary, the available evidence is currently insufficient to determine the role of this variant in disease. Therefore, it has been classified as a Variant of Uncertain Significance. Algorithms developed to predict the effect of missense changes on protein structure and function are either unavailable or do not agree on the potential impact of this missense change (SIFT: "Deleterious"; PolyPhen-2: "Probably Damaging"; Align-GVGD: "Class C0"). ClinVar contains an entry for this variant (Variation ID: 1374598). This variant has not been reported in the literature in individuals affected with IDH3A-related conditions. This variant is present in population databases (rs369949545, gnomAD 0.03%). This sequence change replaces valine, which is neutral and non-polar, with methionine, which is neutral and non-polar, at codon 312 of the IDH3A protein (p.Val312Met).